The following is an entry in ClinVar:

ClinVar aggregate classification (germline): Likely benign. Review status: criteria provided, multiple submitters, no conflicts (2 of 4 stars). 3 submissions from 3 submitters: Likely benign (3). Last evaluated 2026-01-06.

Conditions:
TERT-related disorder. Also called: TERT-related disorders; TERT-related condition.
Idiopathic Pulmonary Fibrosis. Also called: Idiopathic fibrosing alveolitis, chronic form; idiopathic fibrosing alveolitis. Identifiers: Orphanet 2032, MedGen C1800706, MeSH D054990, MONDO:0800504.
Dyskeratosis congenita, autosomal dominant 2. Identifiers: MedGen C3151443, MONDO:0013521, OMIM 613989.

Allele frequency attached by ClinVar (database versions not stated): gnomAD exomes 0.00001 and 0.00002; ExAC 0.00002.
gnomAD v4.1: 5 of 1,613,898 alleles (0.00031%); highest among the groups gnomAD compares: Admixed American, 0.0067%; no homozygotes.

Submissions (3):

PreventionGenetics, part of Exact Sciences
Classification: Likely benign for TERT-related condition. Last evaluated: 2026-01-06. Review status: criteria provided, single submitter. Criteria: ACMG Guidelines, 2015. Collection method: clinical testing. Allele origin: germline.
Comment: This variant is classified as likely benign based on ACMG/AMP sequence variant interpretation guidelines (Richards et al. 2015 PMID: 25741868, with internal and published modifications).

Labcorp Genetics (formerly Invitae), Labcorp
Classification: Likely benign for Dyskeratosis congenita, autosomal dominant 2; Idiopathic Pulmonary Fibrosis. Last evaluated: 2024-04-30. Review status: criteria provided, single submitter. Criteria: Invitae Variant Classification Sherloc (09022015). Collection method: clinical testing. Allele origin: germline.

Blueprint Genetics
Classification: Likely benign. Last evaluated: 2020-07-09. Review status: criteria provided, single submitter. Criteria: ACMG Guidelines, 2015. Collection method: clinical testing. Allele origin: germline.

NM_198253.3(TERT):c.2655-9C>T

Gene: TERT (telomerase reverse transcriptase; minus strand). Cytogenetic location: 5p15.33.
Variant type: single nucleotide variant.
Coding change: c.2655-9C>T on transcript NM_198253.3 (MANE Select); 9 bases into the intron before coding-DNA position 2655, C replaced by T.
Molecular consequence: intron variant.
Genome position (GRCh38, 1-based): chr5:1,264,601, G>A on the plus strand (C>T on the coding strand, the complement: TERT is on the minus strand). VCF-style: chr5-1264601-G-A. GRCh37 (hg19) VCF-style: chr5-1264716-G-A.
Other names: c.2654+1863C>T (NM_001193376.3); c.2655-9C>T (NM_198253.2).
Identifiers: ClinVar variation 1669638 (VCV001669638.10), dbSNP rs779014470, ClinGen allele CA3184421.